The following is an entry in ClinVar:

ClinVar aggregate classification (germline): Likely pathogenic (1 of 4 stars; one submission).

Conditions:
Microcephaly, normal intelligence and immunodeficiency (NBS). Also called: BERLIN BREAKAGE SYNDROME; Immunodeficiency, microcephaly with normal intelligence; Ataxia telangiectasia variant V1; Nijmegen breakage syndrome; Microcephaly with normal intelligence immunodeficiency and lymphoreticular malignancies; Nonsyndromal microcephaly autosomal recessive with normal intelligence. Identifiers: Orphanet 647, MedGen C0398791, MONDO:0009623, OMIM 251260.

Submission:

Labcorp Genetics (formerly Invitae), Labcorp
Classification: Likely pathogenic for Microcephaly, normal intelligence and immunodeficiency. Last evaluated: 2022-05-30. Review status: criteria provided, single submitter. Criteria: Invitae Variant Classification Sherloc (09022015). Collection method: clinical testing. Allele origin: germline.
Comment: This variant disrupts the ATM interaction domain of the NBN protein (PMID: 24894818, 21035407), which is important for activating ATM in the double-strand break repair pathway (PMID: 15964794, 15048089). While functional studies have not been performed to directly test the effect of this variant on NBN protein function, this suggests that disruption of this region of the protein is causative of disease. This variant has not been reported in the literature in individuals affected with NBN-related conditions. This variant is not present in population databases (gnomAD no frequency). This sequence change creates a premature translational stop signal (p.Ala710Serfs*32) in the NBN gene. While this is not anticipated to result in nonsense mediated decay, it is expected to disrupt the last 45 amino acid(s) of the NBN protein. In summary, the currently available evidence indicates that the variant is pathogenic, but additional data are needed to prove that conclusively. Therefore, this variant has been classified as Likely Pathogenic.

Literature cited by the submitters: PubMed 24894818; PubMed 21035407; PubMed 15964794; PubMed 15048089.

NM_002485.5(NBN):c.2127dup (p.Ala710fs)

Gene: NBN (nibrin; minus strand). Cytogenetic location: 8q21.3.
Variant type: Duplication.
Coding change: c.2127dup on transcript NM_002485.5 (MANE Select); coding-DNA position 2127, one base duplicated (A; older notation c.2127dupA).
Protein change: p.Ala710fs; shifts the reading frame from alanine 710.
Molecular consequence: frameshift variant.
Genome position (GRCh38, 1-based): chr8:89,943,310, T duplicated on the plus strand (A on the coding strand, the reverse complement: NBN is on the minus strand). VCF-style (leftmost placement, unchanged base first): chr8-89943309-C-CT. GRCh37 (hg19) VCF-style: chr8-90955537-C-CT.
Other names: c.1881dup, p.Ala628fs (NM_001024688.3); short protein forms A710fs, A628fs.
Identifiers: ClinVar variation 2000854 (VCV002000854.4), dbSNP rs2488191378, ClinGen allele CA2580079017.